The following is an entry in ClinVar:

NM_004984.4(KIF5A):c.76C>T (p.Arg26Trp)

Gene: KIF5A (kinesin family member 5A; plus strand). Cytogenetic location: 12q13.3.
Variant type: single nucleotide variant.
Coding change: c.76C>T on transcript NM_004984.4 (MANE Select); coding-DNA position 76, C replaced by T.
Protein change: p.Arg26Trp; replaces arginine 26 with tryptophan.
Molecular consequence: missense variant.
Genome position (GRCh38, 1-based): chr12:57,550,347, C>T. VCF-style: chr12-57550347-C-T. GRCh37 (hg19) VCF-style: chr12-57944130-C-T.
Other names: c.76C>T, p.Arg26Trp (NM_001354705.2); short protein forms R26W.
Identifiers: ClinVar variation 1804538 (VCV001804538.1), dbSNP rs2540481412, ClinGen allele CA385496053.
Genomic context (GRCh38, chr12:57,550,347, plus strand): 5'-AACGAATGTAGCATCAAGGTGCTCTGCCGATTCCGGCCCCTGAACCAGGCTGAGATTCTG[C>T]GGGGAGACAAGTTCATCCCCATTTTCCAAGGGGACGACAGCGTCGTTATTGGGGTGAGTG-3'
Protein context (NP_004975.2, residues 16-36): FRPLNQAEIL[Arg26Trp]GDKFIPIFQG

ClinVar aggregate classification (germline): Uncertain significance (1 of 4 stars; one submission).

Submission:

GeneDx
Classification: Uncertain significance. Last evaluated: 2022-06-16. Review status: criteria provided, single submitter. Criteria: GeneDx Variant Classification Process June 2021. Collection method: clinical testing. Allele origin: germline. Affected: yes.
Comment: Not observed at significant frequency in large population cohorts (gnomAD); In silico analysis supports that this missense variant has a deleterious effect on protein structure/function; Has not been previously published as pathogenic or benign to our knowledge; This variant is associated with the following publications: (PMID: 25008398, 22785106)